The following is an entry in ClinVar:

NM_000222.3(KIT):c.1180G>A (p.Val394Met)

Gene: KIT (KIT proto-oncogene, receptor tyrosine kinase; plus strand). Cytogenetic location: 4q12.
Variant type: single nucleotide variant.
Coding change: c.1180G>A on transcript NM_000222.3 (MANE Select); coding-DNA position 1180, G replaced by A.
Protein change: p.Val394Met; replaces valine 394 with methionine.
Molecular consequence: missense variant.
Genome position (GRCh38, 1-based): chr4:54,709,488, G>A. VCF-style: chr4-54709488-G-A. GRCh37 (hg19) VCF-style: chr4-55575654-G-A.
Other names: c.1180G>A, p.Val394Met (NM_001093772.2, NM_001385285.1, NM_001385286.1); c.1183G>A, p.Val395Met (NM_001385284.1, NM_001385288.1, NM_001385290.1 and 1 more transcripts); short protein forms V395M, V394M.
Identifiers: ClinVar variation 1468178 (VCV001468178.8), dbSNP rs2109714224, ClinGen allele CA356902395.

ClinVar aggregate classification (germline): Uncertain significance (1 of 4 stars; one submission).

Conditions:
Gastrointestinal stromal tumor. Also called: Gastrointestinal stroma tumor; Gastrointestinal stromal tumor, somatic. Identifiers: Orphanet 44890, MedGen C0238198, MeSH D046152, MONDO:0011719, OMIM 606764, HP:0100723.

Submission:

Labcorp Genetics (formerly Invitae), Labcorp
Classification: Uncertain significance for Gastrointestinal stromal tumor. Last evaluated: 2020-12-15. Review status: criteria provided, single submitter. Criteria: Invitae Variant Classification Sherloc (09022015). Collection method: clinical testing. Allele origin: germline.
Comment: In summary, the available evidence is currently insufficient to determine the role of this variant in disease. Therefore, it has been classified as a Variant of Uncertain Significance. Algorithms developed to predict the effect of missense changes on protein structure and function are either unavailable or do not agree on the potential impact of this missense change (SIFT: "Deleterious"; PolyPhen-2: "Possibly Damaging"; Align-GVGD: "Class C0"). This variant has not been reported in the literature in individuals with KIT-related conditions. This variant is not present in population databases (ExAC no frequency). This sequence change replaces valine with methionine at codon 394 of the KIT protein (p.Val394Met). The valine residue is highly conserved and there is a small physicochemical difference between valine and methionine.